The following is an entry in ClinVar:

ClinVar aggregate classification (germline): Likely benign. Review status: criteria provided, single submitter (1 of 4 stars). 2 submissions from 2 submitters: Likely benign (1). 1 of the submissions does not count toward it. Last evaluated 2025-03-17.

Conditions:
KIF1A-related disorder. Also called: KIF1A-related disorders; KIF1A-related condition.
Hereditary spastic paraplegia 30. Identifiers: Orphanet 101010, MedGen C5235139, MONDO:0012476.
Intellectual disability, autosomal dominant 9 (NESCAVS). Also called: NESCAV SYNDROME; KIF1A-Related Neurodevelopmental Disorder. Identifiers: Orphanet 662367, MedGen C5393830, MONDO:0013656, OMIM 614255.
Neuropathy, hereditary sensory, type 2C. Also called: Hereditary sensory and autonomic neuropathy type IIC; KIF1A-Related HSAN2 (HSAN2C). Identifiers: Orphanet 970, MedGen C3280168, MONDO:0013634, OMIM 614213.

Allele frequency attached by ClinVar (database versions not stated): TOPMed 0.00003.
gnomAD v4.1: 62 of 1,612,662 alleles (0.0038%); highest among the groups gnomAD compares: East Asian, 0.031%; no homozygotes.

Submissions (2):

Labcorp Genetics (formerly Invitae), Labcorp
Classification: Likely benign for Hereditary spastic paraplegia 30; Neuropathy, hereditary sensory, type 2C; Intellectual disability, autosomal dominant 9. Last evaluated: 2025-03-17. Review status: criteria provided, single submitter. Criteria: Invitae Variant Classification Sherloc (09022015). Collection method: clinical testing. Allele origin: germline.

PreventionGenetics, part of Exact Sciences
Classification: Likely benign for KIF1A-related condition. Last evaluated: 2020-09-30. Review status: no assertion criteria provided. Collection method: clinical testing. Allele origin: germline. Not counted in ClinVar's aggregate classification.
Comment: This variant is classified as likely benign based on ACMG/AMP sequence variant interpretation guidelines (Richards et al. 2015 PMID: 25741868, with internal and published modifications).

NM_001244008.2(KIF1A):c.3345C>T (p.Ala1115=)

Gene: KIF1A (kinesin family member 1A; minus strand). Cytogenetic location: 2q37.3.
Variant type: single nucleotide variant.
Coding change: c.3345C>T on transcript NM_001244008.2 (MANE Select); coding-DNA position 3345, C replaced by T.
Protein change: p.Ala1115=; no amino-acid change (alanine 1115 retained).
Molecular consequence: synonymous variant.
Genome position (GRCh38, 1-based): chr2:240,745,767, G>A on the plus strand (C>T on the coding strand, the complement: KIF1A is on the minus strand). VCF-style: chr2-240745767-G-A. GRCh37 (hg19) VCF-style: chr2-241685184-G-A.
Other names: c.3069C>T, p.Ala1023= (NM_001320705.2, NM_001330289.2, NM_001379638.1); c.3144C>T, p.Ala1048= (NM_001330290.2, NM_001379634.1, NM_001379635.1 and 1 more transcripts); c.3420C>T, p.Ala1140= (NM_001379631.1); c.3294C>T, p.Ala1098= (NM_001379632.1); c.3318C>T, p.Ala1106= (NM_001379633.1, NM_001379642.1, NM_001379645.1); c.3042C>T, p.Ala1014= (NM_001379636.1, NM_001379639.1, NM_001379641.1 and 5 more transcripts); c.3117C>T, p.Ala1039= (NM_001379637.1, NM_001379648.1); c.3039C>T, p.Ala1013= (NM_001379640.1); and 1 more.
Identifiers: ClinVar variation 707421 (VCV000707421.13), dbSNP rs370286749, ClinGen allele CA2207840.